The following is an entry in ClinVar:

NM_001042492.3(NF1):c.4886T>C (p.Leu1629Pro)

Gene: NF1 (neurofibromin 1; plus strand). Cytogenetic location: 17q11.2.
Variant type: single nucleotide variant.
Coding change: c.4886T>C on transcript NM_001042492.3 (MANE Select); coding-DNA position 4886, T replaced by C.
Protein change: p.Leu1629Pro; replaces leucine 1629 with proline.
Molecular consequence: missense variant.
Genome position (GRCh38, 1-based): chr17:31,325,870, T>C. VCF-style: chr17-31325870-T-C. GRCh37 (hg19) VCF-style: chr17-29652888-T-C.
Other names: c.4823T>C, p.Leu1608Pro (NM_000267.4); short protein forms L1629P, L1608P.
Identifiers: ClinVar variation 527413 (VCV000527413.8), dbSNP rs1555533288, ClinGen allele CA399007034.

ClinVar aggregate classification (germline): Conflicting classifications of pathogenicity. Review status: criteria provided, conflicting classifications (1 of 4 stars). 3 submissions from 3 submitters: Likely pathogenic (1); Uncertain significance (2). Last evaluated 2025-05-07.

Conditions:
Neurofibromatosis, type 1 (NF1). Also called: Peripheral type neurofibromatosis; Neurofibromatosis, type I; VON RECKLINGHAUSEN DISEASE; NEUROFIBROMATOSIS, TYPE I, SOMATIC. Identifiers: Orphanet 636, MedGen C0027831, MONDO:0018975, OMIM 162200. Disease mechanism: loss of function.

Submissions (3):

GeneDx
Classification: Uncertain significance. Last evaluated: 2025-05-07. Review status: criteria provided, single submitter. Criteria: GeneDx Variant Classification Process June 2021. Collection method: clinical testing. Allele origin: germline.
Comment: Not observed at significant frequency in large population cohorts (gnomAD); In silico analysis supports that this missense variant has a deleterious effect on protein structure/function; Has not been previously published as pathogenic or benign to our knowledge

Labcorp Genetics (formerly Invitae), Labcorp
Classification: Uncertain significance for Neurofibromatosis, type 1. Last evaluated: 2025-04-09. Review status: criteria provided, single submitter. Criteria: Invitae Variant Classification Sherloc (09022015). Collection method: clinical testing. Allele origin: germline.
Comment: This sequence change replaces leucine, which is neutral and non-polar, with proline, which is neutral and non-polar, at codon 1608 of the NF1 protein (p.Leu1608Pro). This variant is not present in population databases (gnomAD no frequency). This variant has not been reported in the literature in individuals affected with NF1-related conditions. ClinVar contains an entry for this variant (Variation ID: 527413). Invitae Evidence Modeling of protein sequence and biophysical properties (such as structural, functional, and spatial information, amino acid conservation, physicochemical variation, residue mobility, and thermodynamic stability) indicates that this missense variant is expected to disrupt NF1 protein function with a positive predictive value of 95%. In summary, the available evidence is currently insufficient to determine the role of this variant in disease. Therefore, it has been classified as a Variant of Uncertain Significance.

NHS Central & South Genomic Laboratory Hub
Classification: Likely pathogenic for Neurofibromatosis type 1. Last evaluated: 2024-07-01. Review status: criteria provided, single submitter. Criteria: ACMG Guidelines, 2015. Collection method: clinical testing. Allele origin: germline. Affected: yes.